The following is an entry in ClinVar:

NM_005188.3(CBL):c.-127_-125GGC[15]

Genes: CBL (Cbl proto-oncogene; plus strand), FRA11B (fragile site, folic acid type, rare, fra(11)(q23.3); plus strand), LOC130006894 (ATAC-STARR-seq lymphoblastoid silent region 3974; plus strand). Cytogenetic location: 11q23.3.
Variant type: Microsatellite.
Coding change: c.-127_-125GGC[15] on transcript NM_005188.3.
Genome position: GRCh38 VCF-style: chr11-119206289-C-CCGGCGGCGGCGG. GRCh37 (hg19) VCF-style: chr11-119076999-C-CCGGCGGCGGCGG.
Identifiers: ClinVar variation 302761 (VCV000302761.20), dbSNP rs57028199, ClinGen allele CA10633638.

ClinVar aggregate classification (germline): Likely benign (1 of 4 stars; one submission).

Submission:

CeGaT Center for Human Genetics Tuebingen
Classification: Likely benign. Last evaluated: 2026-09-01. Review status: criteria provided, single submitter. Criteria: CeGaT Center For Human Genetics Tuebingen Variant Classification Criteria Version 2. Collection method: clinical testing. Allele origin: germline. Affected: yes. Observed: 15 variant alleles.
Comment: CBL: BS2